The following is an entry in ClinVar:

ClinVar aggregate classification (germline): Benign/Likely benign. Review status: criteria provided, multiple submitters, no conflicts (2 of 4 stars). 6 submissions from 6 submitters: Benign (3); Likely benign (2). 1 of the submissions does not count toward it. Last evaluated 2026-01-24.

Conditions:
Myasthenic syndrome, congenital, 22 (CMS22). Also called: PREPL DEFICIENCY. Identifiers: MedGen C4479088, MONDO:0044299, OMIM 616224.
PREPL-related disorder. Also called: PREPL-related condition.

Allele frequency attached by ClinVar (database versions not stated): 1000 Genomes Project 30x 0.00016; 1000 Genomes Project 0.00020; gnomAD 0.00139 and 0.00151; TOPMed 0.00149; gnomAD exomes 0.00233; ESP Exome Variant Server 0.00246; ExAC 0.00279.
gnomAD v4.1: 3,657 of 1,613,670 alleles (0.23%); highest among the groups gnomAD compares: Middle Eastern, 0.38%; 10 homozygotes.

Submissions (6):

Labcorp Genetics (formerly Invitae), Labcorp
Classification: Benign for Myasthenic syndrome, congenital, 22. Last evaluated: 2026-01-24. Review status: criteria provided, single submitter. Criteria: Invitae Variant Classification Sherloc (09022015). Collection method: clinical testing. Allele origin: germline.

CeGaT Center for Human Genetics Tuebingen
Classification: Likely benign. Last evaluated: 2025-11-01. Review status: criteria provided, single submitter. Criteria: CeGaT Center For Human Genetics Tuebingen Variant Classification Criteria Version 2. Collection method: clinical testing. Allele origin: germline. Affected: yes. Observed: 1 variant allele.
Comment: PREPL: BP4, BS2

Mayo Clinic Laboratories, Mayo Clinic
Classification: Benign. Last evaluated: 2024-11-19. Review status: criteria provided, single submitter. Criteria: ACMG Guidelines, 2015. Collection method: clinical testing. Allele origin: germline. Observed: 2 variant alleles.
Comment: BS1, BS2, BP4

Blueprint Genetics
Classification: Likely benign. Last evaluated: 2024-10-31. Review status: criteria provided, single submitter. Criteria: ACMG Guidelines, 2015. Collection method: clinical testing. Allele origin: germline.

Breakthrough Genomics
Classification: Benign. Review status: criteria provided, single submitter. Criteria: ACMG Guidelines, 2015. Collection method: not provided. Allele origin: germline. Inheritance: Autosomal recessive inheritance. Affected: yes.

PreventionGenetics, part of Exact Sciences
Classification: Benign for PREPL-related condition. Last evaluated: 2019-08-09. Review status: no assertion criteria provided. Collection method: clinical testing. Allele origin: germline. Not counted in ClinVar's aggregate classification.
Comment: This variant is classified as benign based on ACMG/AMP sequence variant interpretation guidelines (Richards et al. 2015 PMID: 25741868, with internal and published modifications).

NM_001171613.2(PREPL):c.149A>G (p.Asn50Ser)

Gene: PREPL (prolyl endopeptidase like; minus strand). Cytogenetic location: 2p21.
Variant type: single nucleotide variant.
Coding change: c.149A>G on transcript NM_001171613.2 (MANE Select); coding-DNA position 149, A replaced by G.
Protein change: p.Asn50Ser; replaces asparagine 50 with serine.
Molecular consequence: missense variant.
Genome position (GRCh38, 1-based): chr2:44,343,945, T>C on the plus strand (A>G on the coding strand, the complement: PREPL is on the minus strand). VCF-style: chr2-44343945-T-C. GRCh37 (hg19) VCF-style: chr2-44571084-T-C.
Other names: p.Asn139Ser; c.416A>G, p.Asn139Ser (NM_001042385.2, NM_001042386.2, NM_001171603.1 and 4 more transcripts); c.149A>G, p.Asn50Ser (NM_001171617.1, NM_001374277.1); short protein forms N139S, N50S.
Identifiers: ClinVar variation 544540 (VCV000544540.23), dbSNP rs138555092, ClinGen allele CA1641585.